The following is an entry in ClinVar:

NM_000275.3(OCA2):c.131del (p.Gly44fs)

Gene: OCA2 (OCA2 melanosomal transmembrane protein; minus strand). Cytogenetic location: 15q13.1.
Variant type: Deletion.
Coding change: c.131del on transcript NM_000275.3 (MANE Select); coding-DNA position 131, one base deleted (G; older notation c.131delG).
Protein change: p.Gly44fs; shifts the reading frame from glycine 44.
Molecular consequence: frameshift variant.
Genome position (GRCh38, 1-based): chr15:28,081,744, C deleted on the plus strand (G on the coding strand, the reverse complement: OCA2 is on the minus strand); the first of 2 consecutive C bases (chr15:28,081,744-28,081,745); deleting either gives the same sequence. VCF-style (leftmost placement, unchanged base first): chr15-28081743-TC-T. GRCh37 (hg19) VCF-style: chr15-28326889-TC-T.
Other names: c.131delG (NM_000275.3); c.131del (NM_000275.2); c.131del, p.Gly44fs (NM_001300984.2); short protein forms G44fs.
Identifiers: ClinVar variation 521067 (VCV000521067.18), dbSNP rs780625433, ClinGen allele CA7439571.

ClinVar aggregate classification (germline): Pathogenic/Likely pathogenic. Review status: criteria provided, multiple submitters, no conflicts (2 of 4 stars). 10 submissions from 10 submitters: Pathogenic (8); Likely pathogenic (2). Last evaluated 2026-06-30.

Conditions:
OCA2-related disorder. Also called: OCA2-related condition.
Tyrosinase-positive oculocutaneous albinism (OCA2). Also called: ALBINISM II; Albinism, oculocutaneous, type II; Oculocutaneous albinism type 2. Identifiers: Orphanet 79432, MedGen C0268495, MONDO:0008746, OMIM 203200.
Oculocutaneous albinism. Identifiers: Orphanet 55, MedGen C0078918, MONDO:0018910.
Inborn genetic diseases. Identifiers: MedGen C0950123, MeSH D030342.
SKIN/HAIR/EYE PIGMENTATION 1, BLUE/NONBLUE EYES (SHEP1). Also called: HAIR COLOR 3; BROWN EYE COLOR 2; EYE COLOR 3; EYE COLOR, BLUE/NONBLUE; EYE COLOR, BROWN/BLUE; SKIN/HAIR/EYE PIGMENTATION 1, BLOND/BROWN HAIR. Identifiers: MedGen C1856895, OMIM 227220.

Submissions (10):

PreventionGenetics, part of Exact Sciences
Classification: Pathogenic for OCA2-related condition. Last evaluated: 2026-06-30. Review status: criteria provided, single submitter. Criteria: ACMG Guidelines, 2015. Collection method: clinical testing. Allele origin: germline.
Comment: The OCA2 c.131delG variant is predicted to result in a frameshift and premature protein termination (p.Gly44Glufs*58). To our knowledge, this variant has not been reported in the literature. This variant is reported in 0.025% of alleles in individuals of African descent in gnomAD. Frameshift variants in OCA2 are expected to be pathogenic. This variant is interpreted as pathogenic.

Women's Health and Genetics/Laboratory Corporation of America, LabCorp
Classification: Pathogenic for Oculocutaneous albinism. Last evaluated: 2026-06-23. Review status: criteria provided, single submitter. Criteria: LabCorp Variant Classification Summary - May 2015. Collection method: clinical testing. Allele origin: germline.
Comment: Variant summary: OCA2 c.131delG (p.Gly44GlufsX58) results in a premature termination codon, predicted to cause a truncation of the encoded protein or absence of the protein due to nonsense mediated decay, which are commonly known mechanisms for disease. The variant allele was found at a frequency of 2e-05 in 245200 control chromosomes. To our knowledge, no occurrence of c.131delG in individuals affected with OCA2-related conditions and no experimental evidence demonstrating its impact on protein function have been reported. ClinVar contains an entry for this variant (Variation ID: 521067). Based on the evidence outlined above, the variant was classified as pathogenic.

GeneDx
Classification: Likely pathogenic. Last evaluated: 2026-06-14. Review status: criteria provided, single submitter. Criteria: GeneDx Variant Classification Process June 2021. Collection method: clinical testing. Allele origin: germline.
Comment: Frameshift variant predicted to result in protein truncation or nonsense mediated decay in a gene for which loss of function is a known mechanism of disease; Has not been previously published as pathogenic or benign to our knowledge

Myriad Genetics, Inc.
Classification: Pathogenic for Tyrosinase-positive oculocutaneous albinism. Last evaluated: 2026-03-30. Review status: criteria provided, single submitter. Criteria: Myriad Autosomal Dominant, Autosomal Recessive and X-Linked Classification Criteria (2023). Collection method: clinical testing. Allele origin: unknown.
Comment: NM_000275.2(OCA2):c.131delG(G44Efs*58) is a frameshift variant classified as pathogenic in the context of oculocutaneous albinism, OCA2-related. G44Efs*58 has not been observed in cases with relevant disease. Relevant functional assessments of this variant are not available in the literature. G44Efs*58 has been observed in referenced population frequency databases. In summary, NM_000275.2(OCA2):c.131delG(G44Efs*58) is a frameshift variant in a gene where loss of function is a known mechanism of disease and is predicted to disrupt protein function. Please note: this variant was assessed in the context of healthy population screening.

Labcorp Genetics (formerly Invitae), Labcorp
Classification: Pathogenic. Last evaluated: 2026-01-21. Review status: criteria provided, single submitter. Criteria: Invitae Variant Classification Sherloc (09022015). Collection method: clinical testing. Allele origin: germline.
Comment: This sequence change creates a premature translational stop signal (p.Gly44Glufs*58) in the OCA2 gene. It is expected to result in an absent or disrupted protein product. Loss-of-function variants in OCA2 are known to be pathogenic (PMID: 19865097, 21541274). This variant is present in population databases (rs780625433, gnomAD 0.02%). This variant has not been reported in the literature in individuals affected with OCA2-related conditions. ClinVar contains an entry for this variant (Variation ID: 521067). Algorithms developed to predict the effect of sequence changes on RNA splicing suggest that this variant may disrupt the consensus splice site. For these reasons, this variant has been classified as Pathogenic.

Baylor Genetics
Classification: Pathogenic for SKIN/HAIR/EYE PIGMENTATION 1, BLUE/NONBLUE EYES. Last evaluated: 2024-03-23. Review status: criteria provided, single submitter. Criteria: ACMG Guidelines, 2015. Collection method: clinical testing. Allele origin: unknown.

Fulgent Genetics
Classification: Pathogenic for Tyrosinase-positive oculocutaneous albinism; SKIN/HAIR/EYE PIGMENTATION 1, BLUE/NONBLUE EYES. Last evaluated: 2024-02-27. Review status: criteria provided, single submitter. Criteria: ACMG Guidelines, 2015. Collection method: clinical testing. Allele origin: germline.

Johns Hopkins Genomics, Johns Hopkins University
Classification: Pathogenic for Tyrosinase-positive oculocutaneous albinism. Last evaluated: 2022-07-15. Review status: criteria provided, single submitter. Criteria: ACMG Guidelines, 2015. Collection method: clinical testing. Allele origin: germline.
Comment: This OCA2 variant (rs780625433) is rare (<0.1%) in a large population dataset (gnomAD: 6/276568 total alleles; 0.002%; no homozygotes) and has been reported in ClinVar. This frameshift variant (p.Gly44fs) in exon 2 of 24 results in a premature termination signal likely leading to nonsense-mediated decay and lack of protein production. Bioinformatic analysis predicts the co-occurrence of this variant on the same haplotype as c.1103C>T, although this has not been confirmed experimentally to our knowledge. We consider c.131del to be pathogenic.

Laboratory for Molecular Medicine, Mass General Brigham Personalized Medicine
Classification: Likely pathogenic for Tyrosinase-positive oculocutaneous albinism. Last evaluated: 2017-04-02. Review status: criteria provided, single submitter. Criteria: ACMG Guidelines, 2015. Collection method: clinical testing. Allele origin: germline. Inheritance: Autosomal recessive inheritance.
Comment: The p.Gly44GlufsX58 variant in OCA2 has not been previously reported in individuals with disease but has been identified in 0.045% (4/8956) of African chromosomes by the Exome Aggregation Consortium (ExAC). Although this variant has been seen in the general population, its frequency is low enough to be consistent with a recessive carrier frequency. This variant is predicted to cause a frameshift, which alters the protein’s amino acid sequence beginning at position 44 and leads to a premature termination codon 58 amino acids downstream. This alteration is then predicted to lead to a truncated or absent protein. Biallelic loss of function of the OCA2 gene is an established disease mechanism for oculocutaneous albinism type 2. In summary, although additional studies are required to fully establish its clinical significance, the p.Gly44GlufsX58 variant is likely pathogenic based upon predicted impact to the gene.

Ambry Genetics
Classification: Pathogenic for Inborn genetic diseases. Last evaluated: 2016-06-24. Review status: criteria provided, single submitter. Criteria: Ambry exome assertion method (8-5-2015). Collection method: clinical testing. Allele origin: germline. Affected: yes. Observed: 1 variant allele.

Literature cited by the submitters: PubMed 19865097 (cited by Labcorp Genetics (formerly Invitae), Labcorp); PubMed 21541274 (cited by Labcorp Genetics (formerly Invitae), Labcorp and Johns Hopkins Genomics, Johns Hopkins University); PubMed 10094567 (cited by Johns Hopkins Genomics, Johns Hopkins University); PubMed 15712365 (cited by Johns Hopkins Genomics, Johns Hopkins University).